The following is an entry in ClinVar:

ClinVar aggregate classification (germline): Uncertain significance (1 of 4 stars; one submission).

Conditions:
Acromesomelic dysplasia 1, Maroteaux type (AMD1). Also called: ACROMESOMELIC DYSPLASIA 1; ST. HELENA DYSPLASIA. Identifiers: Orphanet 40, MedGen C1864356, MONDO:0011275, OMIM 602875.
Tall stature-scoliosis-macrodactyly of the great toes syndrome. Also called: Epiphyseal chondrodysplasia, miura type. Identifiers: Orphanet 329191, MedGen C4014690, MONDO:0014401, OMIM 615923.

Allele frequency attached by ClinVar (database versions not stated): gnomAD 0.00013; 1000 Genomes Project 30x 0.00016; 1000 Genomes Project 0.00020.
gnomAD v4.1: 210 of 1,614,144 alleles (0.013%); highest among the groups gnomAD compares: Non-Finnish European, 0.017%; 1 homozygote.

Submission:

Labcorp Genetics (formerly Invitae), Labcorp
Classification: Uncertain significance for Tall stature-scoliosis-macrodactyly of the great toes syndrome; Acromesomelic dysplasia 1, Maroteaux type. Last evaluated: 2025-06-04. Review status: criteria provided, single submitter. Criteria: Invitae Variant Classification Sherloc (09022015). Collection method: clinical testing. Allele origin: germline.
Comment: This sequence change replaces alanine, which is neutral and non-polar, with glycine, which is neutral and non-polar, at codon 164 of the NPR2 protein (p.Ala164Gly). This variant is present in population databases (rs62637657, gnomAD 0.01%), including at least one homozygous and/or hemizygous individual. This missense change has been observed in individual(s) with short stature (PMID: 25703509, 26075495). ClinVar contains an entry for this variant (Variation ID: 2074889). Invitae Evidence Modeling of protein sequence and biophysical properties (such as structural, functional, and spatial information, amino acid conservation, physicochemical variation, residue mobility, and thermodynamic stability) indicates that this missense variant is not expected to disrupt NPR2 protein function with a negative predictive value of 80%. Experimental studies are conflicting or provide insufficient evidence to determine the effect of this variant on NPR2 function (PMID: 25703509, 26075495). In summary, the available evidence is currently insufficient to determine the role of this variant in disease. Therefore, it has been classified as a Variant of Uncertain Significance.

Literature cited by the submitters: PubMed 25703509; PubMed 26075495.

NM_003995.4(NPR2):c.491C>G (p.Ala164Gly)

Gene: NPR2 (natriuretic peptide receptor 2; plus strand). Cytogenetic location: 9p13.3.
Variant type: single nucleotide variant.
Coding change: c.491C>G on transcript NM_003995.4 (MANE Select); coding-DNA position 491, C replaced by G.
Protein change: p.Ala164Gly; replaces alanine 164 with glycine.
Molecular consequence: missense variant.
Genome position (GRCh38, 1-based): chr9:35,792,899, C>G. VCF-style: chr9-35792899-C-G. GRCh37 (hg19) VCF-style: chr9-35792896-C-G.
Other names: c.491C>G, p.Ala164Gly (NM_001378923.1); short protein forms A164G.
Identifiers: ClinVar variation 2074889 (VCV002074889.4), dbSNP rs62637657, ClinGen allele CA5051454.
Genomic context (GRCh38, chr9:35,792,899, plus strand): 5'-CCTCTGCTCCCAAGCTGGGTGAGTTTGTGGTGACACTACACGGGCACTTCAATTGGACTG[C>G]CCGTGCTGCCTTGCTGTACCTGGATGCTCGCACAGATGACCGGCCTCACTACTTCACCAT-3'
Protein context (NP_003986.2, residues 154-174): VTLHGHFNWT[Ala164Gly]RAALLYLDAR